The following is an entry in ClinVar:

NM_024753.5(TTC21B):c.2010T>A (p.Ile670=)

Gene: TTC21B (tetratricopeptide repeat domain 21B; minus strand). Cytogenetic location: 2q24.3.
Variant type: single nucleotide variant.
Coding change: c.2010T>A on transcript NM_024753.5 (MANE Select); coding-DNA position 2010, T replaced by A.
Protein change: p.Ile670=; no amino-acid change (isoleucine 670 retained).
Molecular consequence: synonymous variant.
Genome position (GRCh38, 1-based): chr2:165,915,329, A>T on the plus strand (T>A on the coding strand, the complement: TTC21B is on the minus strand). VCF-style: chr2-165915329-A-T. GRCh37 (hg19) VCF-style: chr2-166771839-A-T.
Other names: c.2010T>A (NM_024753.4).
Identifiers: ClinVar variation 1590677 (VCV001590677.10), dbSNP rs757679360, ClinGen allele CA1941957.

ClinVar aggregate classification (germline): Likely benign. Review status: criteria provided, multiple submitters, no conflicts (2 of 4 stars). 3 submissions from 3 submitters: Likely benign (3). Last evaluated 2025-07-09.

Conditions:
TTC21B-related disorder. Also called: TTC21B-related condition; TTC21B-related disorders.
Jeune thoracic dystrophy. Also called: Jeune syndrome; Infantile thoracic dystrophy; Thoracic pelvic phalangeal dystrophy; Jeune's syndrome; Chondroectodermal dysplasia-like syndrome; Short-rib thoracic dysplasia. Identifiers: Orphanet 474, MedGen C0265275, MONDO:0018770.
Nephronophthisis. Also called: Juvenile Nephronophthisis. Identifiers: Orphanet 655, MedGen C0687120, MONDO:0019005, HP:0000090.

Allele frequency attached by ClinVar (database versions not stated): TOPMed 0.00001; gnomAD 0.00002; gnomAD exomes 0.00004 and 0.00008; ExAC 0.00011.
gnomAD v4.1: 58 of 1,614,010 alleles (0.0036%); highest among the groups gnomAD compares: South Asian, 0.064%; no homozygotes.

Submissions (3):

PreventionGenetics, part of Exact Sciences
Classification: Likely benign for TTC21B-related condition. Last evaluated: 2025-07-09. Review status: criteria provided, single submitter. Criteria: ACMG Guidelines, 2015. Collection method: clinical testing. Allele origin: germline.
Comment: This variant is classified as likely benign based on ACMG/AMP sequence variant interpretation guidelines (Richards et al. 2015 PMID: 25741868, with internal and published modifications).

Blueprint Genetics
Classification: Likely benign. Last evaluated: 2022-10-18. Review status: criteria provided, single submitter. Criteria: ACMG Guidelines, 2015. Collection method: clinical testing. Allele origin: germline.

Labcorp Genetics (formerly Invitae), Labcorp
Classification: Likely benign for Jeune thoracic dystrophy; Nephronophthisis. Last evaluated: 2022-08-23. Review status: criteria provided, single submitter. Criteria: Invitae Variant Classification Sherloc (09022015). Collection method: clinical testing. Allele origin: germline.